The following is an entry in ClinVar:

NM_174912.4(FAAH2):c.742+5T>A

Gene: FAAH2 (fatty acid amide hydrolase 2; plus strand). Cytogenetic location: Xp11.21.
Variant type: single nucleotide variant.
Coding change: c.742+5T>A on transcript NM_174912.4 (MANE Select); 5 bases into the intron after coding-DNA position 742, T replaced by A.
Molecular consequence: intron variant.
Genome position (GRCh38, 1-based): chrX:57,341,395, T>A. VCF-style: chrX-57341395-T-A. GRCh37 (hg19) VCF-style: chrX-57367828-T-A.
Other names: c.742+5T>A (NM_001353840.1); c.532+5T>A (NM_001353841.1).
Identifiers: ClinVar variation 2660717 (VCV002660717.24), dbSNP rs2053683157, ClinGen allele CA2695200219.

ClinVar aggregate classification (germline): Uncertain significance (1 of 4 stars; one submission).

Submission:

CeGaT Center for Human Genetics Tuebingen
Classification: Uncertain significance. Last evaluated: 2022-10-01. Review status: criteria provided, single submitter. Criteria: CeGaT Center For Human Genetics Tuebingen Variant Classification Criteria Version 2. Collection method: clinical testing. Allele origin: germline. Affected: yes. Observed: 1 variant allele.
Comment: FAAH2: PM2, BP4